The following is an entry in ClinVar:

ClinVar aggregate classification (germline): Uncertain significance (1 of 4 stars; one submission).

Conditions:
Hereditary diffuse gastric adenocarcinoma (HDGC). Also called: DIFFUSE GASTRIC AND LOBULAR BREAST CANCER SYNDROME. Identifiers: Orphanet 26106, MedGen C1708349, MONDO:0007648, OMIM 137215.

Submission:

Labcorp Genetics (formerly Invitae), Labcorp
Classification: Uncertain significance for Hereditary diffuse gastric adenocarcinoma. Last evaluated: 2023-11-08. Review status: criteria provided, single submitter. Criteria: Invitae Variant Classification Sherloc (09022015). Collection method: clinical testing. Allele origin: germline.
Comment: This sequence change replaces arginine, which is basic and polar, with threonine, which is neutral and polar, at codon 48 of the CDH1 protein (p.Arg48Thr). This variant is not present in population databases (gnomAD no frequency). This variant has not been reported in the literature in individuals affected with CDH1-related conditions. An algorithm developed to predict the effect of missense changes on protein structure and function (PolyPhen-2) suggests that this variant is likely to be tolerated. In summary, the available evidence is currently insufficient to determine the role of this variant in disease. Therefore, it has been classified as a Variant of Uncertain Significance.

NM_004360.5(CDH1):c.143G>C (p.Arg48Thr)

Gene: CDH1 (cadherin 1; plus strand). Cytogenetic location: 16q22.1.
Variant type: single nucleotide variant.
Coding change: c.143G>C on transcript NM_004360.5 (MANE Select); coding-DNA position 143, G replaced by C.
Protein change: p.Arg48Thr; replaces arginine 48 with threonine.
Molecular consequence: missense variant. On other transcripts: 5 prime UTR variant (2).
Genome position (GRCh38, 1-based): chr16:68,738,391, G>C. VCF-style: chr16-68738391-G-C. GRCh37 (hg19) VCF-style: chr16-68772294-G-C.
Other names: c.143G>C, p.Arg48Thr (NM_001317184.2); c.-1473G>C (NM_001317185.2); c.-1677G>C (NM_001317186.2); short protein forms R48T.
Identifiers: ClinVar variation 2988816 (VCV002988816.3), dbSNP rs2152114464, ClinGen allele CA396452258.